The following is an entry in ClinVar:

NM_001127178.3(PIGG):c.374G>T (p.Gly125Val)

Gene: PIGG (phosphatidylinositol glycan anchor biosynthesis class G (EMM blood group); plus strand). Cytogenetic location: 4p16.3.
Variant type: single nucleotide variant.
Coding change: c.374G>T on transcript NM_001127178.3 (MANE Select); coding-DNA position 374, G replaced by T.
Protein change: p.Gly125Val; replaces glycine 125 with valine.
Molecular consequence: missense variant. On other transcripts: 5 prime UTR variant (4), non-coding transcript variant (10), intron variant (1).
Genome position (GRCh38, 1-based): chr4:505,731, G>T. VCF-style: chr4-505731-G-T. GRCh37 (hg19) VCF-style: chr4-499520-G-T.
Other names: c.107G>T, p.Gly36Val (NM_001289051.2, NM_001289053.2, NM_001289057.2 and 2 more transcripts); c.8G>T, p.Gly3Val (NM_001289055.2); c.-514G>T (NM_001345988.2); c.374G>T, p.Gly125Val (NM_001345989.2, NM_017733.5); c.-1252G>T (NM_001345990.2); c.-1114G>T (NM_001345991.2); c.-839G>T (NM_001345994.2); c.361-3098G>T (NM_001289052.2); short protein forms G125V, G36V, G3V.
Identifiers: ClinVar variation 3343055 (VCV003343055.1).

ClinVar aggregate classification (germline): Uncertain significance (1 of 4 stars; one submission).

Submission:

GeneDx
Classification: Uncertain significance. Last evaluated: 2023-08-23. Review status: criteria provided, single submitter. Criteria: GeneDx Variant Classification Process June 2021. Collection method: clinical testing. Allele origin: germline. Affected: yes.
Comment: Not observed at significant frequency in large population cohorts (gnomAD); In silico analysis supports that this missense variant has a deleterious effect on protein structure/function; Has not been previously published as pathogenic or benign to our knowledge